The following is an entry in ClinVar:

NM_001330691.3(CEP78):c.1741G>A (p.Glu581Lys)

Gene: CEP78 (centrosomal protein 78; plus strand). Cytogenetic location: 9q21.2.
Variant type: single nucleotide variant.
Coding change: c.1741G>A on transcript NM_001330691.3 (MANE Select); coding-DNA position 1741, G replaced by A.
Protein change: p.Glu581Lys; replaces glutamic acid 581 with lysine.
Molecular consequence: missense variant.
Genome position (GRCh38, 1-based): chr9:78,265,487, G>A. VCF-style: chr9-78265487-G-A. GRCh37 (hg19) VCF-style: chr9-80880403-G-A.
Other names: c.1744G>A, p.Glu582Lys (NM_001098802.3, NM_001349839.2, NM_001349840.2 and 1 more transcripts); c.1741G>A, p.Glu581Lys (NM_001330693.3, NM_001330694.2, NM_001349838.2); short protein forms E581K, E582K.
Identifiers: ClinVar variation 2120518 (VCV002120518.4), dbSNP rs2489535516, ClinGen allele CA373866312.

ClinVar aggregate classification (germline): Uncertain significance (1 of 4 stars; one submission).

Submission:

Labcorp Genetics (formerly Invitae), Labcorp
Classification: Uncertain significance. Last evaluated: 2022-10-24. Review status: criteria provided, single submitter. Criteria: Invitae Variant Classification Sherloc (09022015). Collection method: clinical testing. Allele origin: germline.
Comment: In summary, the available evidence is currently insufficient to determine the role of this variant in disease. Therefore, it has been classified as a Variant of Uncertain Significance. Advanced modeling of protein sequence and biophysical properties (such as structural, functional, and spatial information, amino acid conservation, physicochemical variation, residue mobility, and thermodynamic stability) performed at Invitae indicates that this missense variant is not expected to disrupt CEP78 protein function. This sequence change replaces glutamic acid, which is acidic and polar, with lysine, which is basic and polar, at codon 582 of the CEP78 protein (p.Glu582Lys). This variant is not present in population databases (gnomAD no frequency). This variant has not been reported in the literature in individuals affected with CEP78-related conditions.